The following is an entry in ClinVar:

NM_001371279.1(REEP1):c.392C>T (p.Thr131Ile)

Gene: REEP1 (receptor accessory protein 1; minus strand). Cytogenetic location: 2p11.2.
Variant type: single nucleotide variant.
Coding change: c.392C>T on transcript NM_001371279.1 (MANE Select); coding-DNA position 392, C replaced by T.
Protein change: p.Thr131Ile; replaces threonine 131 with isoleucine.
Molecular consequence: missense variant. On other transcripts: intron variant (1).
Genome position (GRCh38, 1-based): chr2:86,251,982, G>A on the plus strand (C>T on the coding strand, the complement: REEP1 is on the minus strand). VCF-style: chr2-86251982-G-A. GRCh37 (hg19) VCF-style: chr2-86479105-G-A.
Other names: c.413C>T, p.Thr138Ile (NM_001164730.2); c.311C>T, p.Thr104Ile (NM_001164731.2); c.392C>T, p.Thr131Ile (NM_001371280.1, NM_022912.3); c.182+11983C>T (NM_001164732.2); short protein forms T138I, T131I, T104I.
Identifiers: ClinVar variation 534213 (VCV000534213.8), dbSNP rs1553461131, ClinGen allele CA347715883.
Genomic context (GRCh38, chr2:86,251,982, plus strand): 5'-AGACTCATGTAGTTGTGGTACTTCCAGCACAGTACCTTGGAAGCAGCCATCACAGCCGCT[G>A]TGGCGGCCACGTTCAAGCCCCGCTTCCCGAAGTGCACAAGGGCATCGTAACTTCGGTCTT-3'
Protein context (NP_001358208.1, residues 121-141): FGKRGLNVAA[Thr131Ile]AAVMAASKGQ

ClinVar aggregate classification (germline): Uncertain significance (1 of 4 stars; one submission).

Conditions:
Hereditary spastic paraplegia 31. Also called: SPASTIC PARAPLEGIA 31, AUTOSOMAL DOMINANT. Identifiers: Orphanet 101011, MedGen C1853247, MONDO:0012453, OMIM 610250.

Submission:

Labcorp Genetics (formerly Invitae), Labcorp
Classification: Uncertain significance for Hereditary spastic paraplegia 31. Last evaluated: 2017-09-15. Review status: criteria provided, single submitter. Criteria: Invitae Variant Classification Sherloc (09022015). Collection method: clinical testing. Allele origin: germline.
Comment: This sequence change replaces threonine with isoleucine at codon 131 of the REEP1 protein (p.Thr131Ile). The threonine residue is moderately conserved and there is a moderate physicochemical difference between threonine and isoleucine. This variant is not present in population databases (ExAC no frequency). This variant has not been reported in the literature in individuals with REEP1-related disease. Algorithms developed to predict the effect of missense changes on protein structure and function do not agree on the potential impact of this missense change (SIFT: "Deleterious"; PolyPhen-2: "Benign"; Align-GVGD: "Class C0"). In summary, the available evidence is currently insufficient to determine the role of this variant in disease. Therefore, it has been classified as a Variant of Uncertain Significance.